The following is an entry in ClinVar:

NM_001197104.2(KMT2A):c.5231_5233del (p.Asp1744del)

Gene: KMT2A (lysine methyltransferase 2A; plus strand). Cytogenetic location: 11q23.3.
Variant type: Deletion.
Coding change: c.5231_5233del on transcript NM_001197104.2 (MANE Select); coding-DNA positions 5231 to 5233, 3 bases deleted (ATG; older notation c.5231_5233delATG).
Protein change: p.Asp1744del; deletes aspartic acid 1744.
Molecular consequence: inframe deletion. On other transcripts: inframe indel (1).
Genome position (GRCh38, 1-based): chr11:118,494,340-118,494,342, ATG deleted; deleting any 3 consecutive bases within chr11:118,494,339-118,494,342 gives the same sequence; the c. name uses the placement nearest the transcript's 3' end. VCF-style (leftmost placement, unchanged base first): chr11-118494338-AGAT-A. GRCh37 (hg19) VCF-style: chr11-118365053-AGAT-A.
Other names: c.5321_5323delATG, p.Asp1774del (NM_001412597.1); c.5222_5224del, p.Asp1741del (NM_005933.4); short protein forms D1774del, D1744del, D1741del.
Identifiers: ClinVar variation 2004522 (VCV002004522.4), dbSNP rs1950370641, ClinGen allele CA2003521205.

ClinVar aggregate classification (germline): Uncertain significance (1 of 4 stars; one submission).

Submission:

Labcorp Genetics (formerly Invitae), Labcorp
Classification: Uncertain significance. Last evaluated: 2022-07-24. Review status: criteria provided, single submitter. Criteria: Invitae Variant Classification Sherloc (09022015). Collection method: clinical testing. Allele origin: germline.
Comment: In summary, the available evidence is currently insufficient to determine the role of this variant in disease. Therefore, it has been classified as a Variant of Uncertain Significance. Experimental studies and prediction algorithms are not available or were not evaluated, and the functional significance of this variant is currently unknown. This variant has not been reported in the literature in individuals affected with KMT2A-related conditions. This variant is not present in population databases (gnomAD no frequency). This variant, c.5231_5233del, results in the deletion of 1 amino acid(s) of the KMT2A protein (p.Asp1744del), but otherwise preserves the integrity of the reading frame.